The following is an entry in ClinVar:

NM_004656.4(BAP1):c.659G>T (p.Gly220Val)

Gene: BAP1 (BRCA1 associated deubiquitinase 1; minus strand). Cytogenetic location: 3p21.1.
Variant type: single nucleotide variant.
Coding change: c.659G>T on transcript NM_004656.4 (MANE Select); coding-DNA position 659, G replaced by T.
Protein change: p.Gly220Val; replaces glycine 220 with valine.
Molecular consequence: missense variant.
Genome position (GRCh38, 1-based): chr3:52,406,829, C>A on the plus strand (G>T on the coding strand, the complement: BAP1 is on the minus strand). VCF-style: chr3-52406829-C-A. GRCh37 (hg19) VCF-style: chr3-52440845-C-A.
Other names: c.659G>T, p.Gly220Val (NM_001410772.1); short protein forms G220V.
Identifiers: ClinVar variation 2701453 (VCV002701453.3), dbSNP rs2471346650, ClinGen allele CA353108694.

ClinVar aggregate classification (germline): Uncertain significance (1 of 4 stars; one submission).

Conditions:
BAP1-related tumor predisposition syndrome (TPDS1). Also called: BAP1 tumor predisposition syndrome; Tumor susceptibility linked to germline BAP1 mutations; COMMON Syndrome; TUMOR PREDISPOSITION SYNDROME 1. Identifiers: Orphanet 289539, MedGen C3280492, MONDO:0013692, OMIM 614327.

Submission:

Labcorp Genetics (formerly Invitae), Labcorp
Classification: Uncertain significance for BAP1-related tumor predisposition syndrome. Last evaluated: 2023-12-08. Review status: criteria provided, single submitter. Criteria: Invitae Variant Classification Sherloc (09022015). Collection method: clinical testing. Allele origin: germline.
Comment: This sequence change replaces glycine, which is neutral and non-polar, with valine, which is neutral and non-polar, at codon 220 of the BAP1 protein (p.Gly220Val). This variant also falls at the last nucleotide of exon 8, which is part of the consensus splice site for this exon. This variant is not present in population databases (gnomAD no frequency). This variant has not been reported in the literature in individuals affected with BAP1-related conditions. An algorithm developed to predict the effect of missense changes on protein structure and function (PolyPhen-2) suggests that this variant is likely to be disruptive. Variants that disrupt the consensus splice site are a relatively common cause of aberrant splicing (PMID: 17576681, 9536098). Algorithms developed to predict the effect of sequence changes on RNA splicing suggest that this variant may create or strengthen a splice site. In summary, the available evidence is currently insufficient to determine the role of this variant in disease. Therefore, it has been classified as a Variant of Uncertain Significance.

Literature cited by the submitters: PubMed 17576681; PubMed 9536098.